The following is an entry in ClinVar:

NM_207391.3(RGS9BP):c.390C>G (p.Ser130Arg)

Gene: RGS9BP (regulator of G protein signaling 9 binding protein; plus strand). Cytogenetic location: 19q13.11.
Variant type: single nucleotide variant.
Coding change: c.390C>G on transcript NM_207391.3 (MANE Select); coding-DNA position 390, C replaced by G.
Protein change: p.Ser130Arg; replaces serine 130 with arginine.
Molecular consequence: missense variant.
Genome position (GRCh38, 1-based): chr19:32,676,653, C>G. VCF-style: chr19-32676653-C-G. GRCh37 (hg19) VCF-style: chr19-33167559-C-G.
Other names: c.390C>G (NM_207391.2); short protein forms S130R.
Identifiers: ClinVar variation 1373646 (VCV001373646.7), dbSNP rs539270361, ClinGen allele CA9357534.

ClinVar aggregate classification (germline): Conflicting classifications of pathogenicity. Review status: criteria provided, conflicting classifications (1 of 4 stars). 3 submissions from 3 submitters: Uncertain significance (2); Likely benign (1). Last evaluated 2024-06-19.

Allele frequency attached by ClinVar (database versions not stated): gnomAD 0.00001 and 0.00005; TOPMed 0.00002; 1000 Genomes Project 30x 0.00031; gnomAD exomes 0.00034; 1000 Genomes Project 0.00060; ExAC 0.00103.

Submissions (3):

Blueprint Genetics
Classification: Likely benign. Last evaluated: 2024-06-19. Review status: criteria provided, single submitter. Criteria: ACMG Guidelines, 2015. Collection method: clinical testing. Allele origin: germline.

Labcorp Genetics (formerly Invitae), Labcorp
Classification: Uncertain significance. Last evaluated: 2022-10-13. Review status: criteria provided, single submitter. Criteria: Invitae Variant Classification Sherloc (09022015). Collection method: clinical testing. Allele origin: germline.
Comment: This sequence change replaces serine, which is neutral and polar, with arginine, which is basic and polar, at codon 130 of the RGS9BP protein (p.Ser130Arg). This variant is present in population databases (rs539270361, gnomAD 0.2%). This variant has not been reported in the literature in individuals affected with RGS9BP-related conditions. ClinVar contains an entry for this variant (Variation ID: 1373646). Algorithms developed to predict the effect of missense changes on protein structure and function are either unavailable or do not agree on the potential impact of this missense change (SIFT: "Deleterious"; PolyPhen-2: "Possibly Damaging"; Align-GVGD: "Class C0"). In summary, the available evidence is currently insufficient to determine the role of this variant in disease. Therefore, it has been classified as a Variant of Uncertain Significance.

Ambry Genetics
Classification: Uncertain significance. Last evaluated: 2022-01-05. Review status: criteria provided, single submitter. Criteria: Ambry Variant Classification Scheme 2023. Collection method: clinical testing. Allele origin: germline.